The following is an entry in ClinVar:

ClinVar aggregate classification (germline): Pathogenic (1 of 4 stars; one submission).

Conditions:
VPS13A-related neurodegenerative disease. Also called: ACANTHOCYTOSIS WITH NEUROLOGIC DISORDER; LEVINE-CRITCHLEY SYNDROME; Choreoacanthocytosis; Chorea-acanthocytosis; Choreaacanthocytosis; VPS13A Disease. Identifiers: Orphanet 2388, MedGen C0393576, MONDO:0008695, OMIM 200150.

Submission:

Myriad Genetics, Inc.
Classification: Pathogenic for VPS13A-related neurodegenerative disease. Last evaluated: 2024-05-14. Review status: criteria provided, single submitter. Criteria: Myriad Autosomal Dominant, Autosomal Recessive and X-Linked Classification Criteria (2023). Collection method: clinical testing. Allele origin: unknown.
Comment: NM_033305.2(VPS13A):c.797_798ins13(R267Lfs*7) is expected to be pathogenic in the context of VPS13A disease. This variant is predicted to lead to an abnormal or absent protein product due to the creation of a premature termination codon in VPS13A, a gene where loss-of-function variants are known to be pathogenic. Please note: this variant was assessed in the context of healthy population screening.

NM_033305.3(VPS13A):c.797_798insACTGTCTCTTATA (p.Arg267fs)

Gene: VPS13A (vacuolar protein sorting 13 homolog A; plus strand). Cytogenetic location: 9q21.2.
Variant type: Insertion.
Coding change: c.797_798insACTGTCTCTTATA on transcript NM_033305.3 (MANE Select); coding-DNA positions 797 to 798, ACTGTCTCTTATA inserted.
Protein change: p.Arg267fs; shifts the reading frame from arginine 267.
Molecular consequence: frameshift variant.
Genome position: GRCh38 VCF-style: chr9-77219996-G-GACTGTCTCTTATA. GRCh37 (hg19) VCF-style: chr9-79834912-G-GACTGTCTCTTATA.
Other names: c.797_798insACTGTCTCTTATA, p.Arg267fs (NM_001018037.2, NM_001018038.3, NM_015186.4); short protein forms R267fs.
Identifiers: ClinVar variation 5010422 (VCV005010422.1).
Genomic context (GRCh38, chr9:77,219,996, plus strand): 5'-ATTTTTATTATTTTTCAGTATTTCGTCCCATATCTGCTAATGCCAAACTTGTGATGAATC[G>GACTGTCTCTTATA]CCGATCTGATTTTGACTTTTCTGCCCCCAAAATAAACTTGGAAATTGAGTTACATAACAT-3'